The following is an entry in ClinVar:

ClinVar aggregate classification (germline): Uncertain significance. Review status: criteria provided, multiple submitters, no conflicts (2 of 4 stars). 2 submissions from 2 submitters: Uncertain significance (2). Last evaluated 2025-05-31.

Conditions:
Hereditary cancer-predisposing syndrome. Also called: Hereditary neoplastic syndrome; Tumor predisposition; Hereditary Cancer Syndrome; Neoplastic Syndromes, Hereditary. Identifiers: Orphanet 140162, MedGen C0027672, MeSH D009386, MONDO:0015356.

Submissions (2):

Ambry Genetics
Classification: Uncertain significance for Hereditary cancer-predisposing syndrome. Last evaluated: 2025-05-31. Review status: criteria provided, single submitter. Criteria: Ambry Variant Classification Scheme 2023. Collection method: clinical testing. Allele origin: germline.
Comment: The p.V78G variant (also known as c.233T>G), located in coding exon 3 of the XRCC2 gene, results from a T to G substitution at nucleotide position 233. The valine at codon 78 is replaced by glycine, an amino acid with dissimilar properties. This amino acid position is conserved. In addition, this alteration is predicted to be deleterious by in silico analysis. Based on the available evidence, the clinical significance of this variant remains unclear.

Labcorp Genetics (formerly Invitae), Labcorp
Classification: Uncertain significance. Last evaluated: 2024-02-20. Review status: criteria provided, single submitter. Criteria: Invitae Variant Classification Sherloc (09022015). Collection method: clinical testing. Allele origin: germline.
Comment: This sequence change replaces valine, which is neutral and non-polar, with glycine, which is neutral and non-polar, at codon 78 of the XRCC2 protein (p.Val78Gly). This variant is not present in population databases (gnomAD no frequency). This variant has not been reported in the literature in individuals affected with XRCC2-related conditions. Advanced modeling of protein sequence and biophysical properties (such as structural, functional, and spatial information, amino acid conservation, physicochemical variation, residue mobility, and thermodynamic stability) performed at Invitae indicates that this missense variant is expected to disrupt XRCC2 protein function with a positive predictive value of 80%. In summary, the available evidence is currently insufficient to determine the role of this variant in disease. Therefore, it has been classified as a Variant of Uncertain Significance.

NM_005431.2(XRCC2):c.233T>G (p.Val78Gly)

Gene: XRCC2 (X-ray repair cross complementing 2; minus strand). Cytogenetic location: 7q36.1.
Variant type: single nucleotide variant.
Coding change: c.233T>G on transcript NM_005431.2 (MANE Select); coding-DNA position 233, T replaced by G.
Protein change: p.Val78Gly; replaces valine 78 with glycine.
Molecular consequence: missense variant.
Genome position (GRCh38, 1-based): chr7:152,649,252, A>C on the plus strand (T>G on the coding strand, the complement: XRCC2 is on the minus strand). VCF-style: chr7-152649252-A-C. GRCh37 (hg19) VCF-style: chr7-152346337-A-C.
Other names: c.233T>G (NM_005431.1); short protein forms V78G.
Identifiers: ClinVar variation 3639327 (VCV003639327.3).
Genomic context (GRCh38, chr7:152,649,252, plus strand): 5'-TGCTCAAGAATTGTAACTAGCCGGAGCATATCAAAGTGGTAATCTGTATCAATAAATAAG[A>C]CTTCTACTTCCAGGCCACCTTCTGATTTGGGAAGTATACATCGTGCTGTTAGGTGATAAA-3'
Protein context (NP_005422.1, residues 68-88): PKSEGGLEVE[Val78Gly]LFIDTDYHFD